The following is an entry in ClinVar:

NM_153834.4(ADGRG4):c.2923G>A (p.Glu975Lys)

Gene: ADGRG4 (adhesion G protein-coupled receptor G4; plus strand). Cytogenetic location: Xq26.3.
Variant type: single nucleotide variant.
Coding change: c.2923G>A on transcript NM_153834.4 (MANE Select); coding-DNA position 2923, G replaced by A.
Protein change: p.Glu975Lys; replaces glutamic acid 975 with lysine.
Molecular consequence: missense variant.
Genome position (GRCh38, 1-based): chrX:136,346,629, G>A. VCF-style: chrX-136346629-G-A. GRCh37 (hg19) VCF-style: chrX-135428788-G-A.
Other names: c.2923G>A (NM_153834.3); short protein forms E975K.
Identifiers: ClinVar variation 4534562 (VCV004534562.6).
Genomic context (GRCh38, chrX:136,346,629, plus strand): 5'-ACTTCTGGGAGCACACATATATTCGGTGAACCCCTGGGTGCTTCTACCACAAGGATATCA[G>A]AAACCAGTTTCTCCACTACCCCTACAGACAGGACAGCTACGTCCTTGTCTGATGGTATCT-3'
Protein context (NP_722576.3, residues 965-985): PLGASTTRIS[Glu975Lys]TSFSTTPTDR

ClinVar aggregate classification (germline): Conflicting classifications of pathogenicity. Review status: criteria provided, conflicting classifications (1 of 4 stars). 2 submissions from 2 submitters: Uncertain significance (1); Likely benign (1). Last evaluated 2026-01-26.

gnomAD v4.1: 29 of 1,210,428 alleles (0.0024%); highest among the groups gnomAD compares: African/African-American, 0.014%; no homozygotes.

Submissions (2):

Ambry Genetics
Classification: Uncertain significance. Last evaluated: 2026-01-26. Review status: criteria provided, single submitter. Criteria: Ambry Variant Classification Scheme 2023. Collection method: clinical testing. Allele origin: germline.

CeGaT Center for Human Genetics Tuebingen
Classification: Likely benign. Last evaluated: 2025-11-01. Review status: criteria provided, single submitter. Criteria: CeGaT Center For Human Genetics Tuebingen Variant Classification Criteria Version 2. Collection method: clinical testing. Allele origin: germline. Affected: yes. Observed: 1 variant allele.
Comment: ADGRG4: BP4, BS2